The following is an entry in ClinVar:

NM_000384.3(APOB):c.6760A>T (p.Thr2254Ser)

Gene: APOB (apolipoprotein B; minus strand). Cytogenetic location: 2p24.1.
Variant type: single nucleotide variant.
Coding change: c.6760A>T on transcript NM_000384.3 (MANE Select); coding-DNA position 6760, A replaced by T.
Protein change: p.Thr2254Ser; replaces threonine 2254 with serine.
Molecular consequence: missense variant.
Genome position (GRCh38, 1-based): chr2:21,010,108, T>A on the plus strand (A>T on the coding strand, the complement: APOB is on the minus strand). VCF-style: chr2-21010108-T-A. GRCh37 (hg19) VCF-style: chr2-21232980-T-A.
Other names: short protein forms T2254S.
Identifiers: ClinVar variation 2953477 (VCV002953477.3), dbSNP rs1663265036, ClinGen allele CA346000789.
Genomic context (GRCh38, chr2:21,010,108, plus strand): 5'-GTATGTGTCTCTTAAGCTGCTGCAGTTTTTCTTGTATCTGGATTCTGATTTGGTACTTAG[T>A]ATCCACATTTTGAATCCAGGATGCAGTACTACTTCCACTTTTGTTAAAATCAATATTTTC-3'
Protein context (NP_000375.3, residues 2244-2264): STASWIQNVD[Thr2254Ser]KYQIRIQIQE

ClinVar aggregate classification (germline): Uncertain significance (1 of 4 stars; one submission).

Conditions:
Hypercholesterolemia, autosomal dominant, type B (FHCL2). Also called: APOB-Related Familial Hypercholesterolemia, Autosomal Dominant; Familial Hypercholesterolemia Type B; APOLIPOPROTEIN B-100, FAMILIAL DEFECTIVE; APOLIPOPROTEIN B-100, FAMILIAL LIGAND-DEFECTIVE; HYPERCHOLESTEROLEMIA, FAMILIAL, DUE TO LIGAND-DEFECTIVE APOLIPOPROTEIN B; Hyperlipoproteinemia Type IIb. Identifiers: MedGen C1704417, MONDO:0007751, OMIM 144010.
Familial hypobetalipoproteinemia 1. Also called: Hypobetalipoproteinemia, normotriglyceridemic; Acanthocytosis with hypobetalipoproteinemia; APOB-Related Familial Hypobetalipoproteinemia. Identifiers: MedGen C4551990, MONDO:0014252, OMIM 615558.

Submission:

Labcorp Genetics (formerly Invitae), Labcorp
Classification: Uncertain significance for Familial hypobetalipoproteinemia 1; Hypercholesterolemia, autosomal dominant, type B. Last evaluated: 2023-11-02. Review status: criteria provided, single submitter. Criteria: Invitae Variant Classification Sherloc (09022015). Collection method: clinical testing. Allele origin: germline.
Comment: This sequence change replaces threonine, which is neutral and polar, with serine, which is neutral and polar, at codon 2254 of the APOB protein (p.Thr2254Ser). This variant is not present in population databases (gnomAD no frequency). This variant has not been reported in the literature in individuals affected with APOB-related conditions. Advanced modeling of protein sequence and biophysical properties (such as structural, functional, and spatial information, amino acid conservation, physicochemical variation, residue mobility, and thermodynamic stability) performed at Invitae indicates that this missense variant is not expected to disrupt APOB protein function with a negative predictive value of 95%. In summary, the available evidence is currently insufficient to determine the role of this variant in disease. Therefore, it has been classified as a Variant of Uncertain Significance.